The following is an entry in ClinVar:

NM_001130438.3(SPTAN1):c.7389C>T (p.Thr2463=)

Gene: SPTAN1 (spectrin alpha, non-erythrocytic 1; plus strand). Cytogenetic location: 9q34.11.
Variant type: single nucleotide variant.
Coding change: c.7389C>T on transcript NM_001130438.3 (MANE Select); coding-DNA position 7389, C replaced by T.
Protein change: p.Thr2463=; no amino-acid change (threonine 2463 retained).
Molecular consequence: synonymous variant.
Genome position (GRCh38, 1-based): chr9:128,633,289, C>T. VCF-style: chr9-128633289-C-T. GRCh37 (hg19) VCF-style: chr9-131395568-C-T.
Other names: p.T2463T:ACC>ACT; p.Thr2463=; c.7314C>T, p.Thr2438= (NM_001195532.2); c.7452C>T, p.Thr2484= (NM_001363759.2); c.7329C>T, p.Thr2443= (NM_001363765.2); c.7374C>T, p.Thr2458= (NM_003127.4).
Identifiers: ClinVar variation 139320 (VCV000139320.24), dbSNP rs2228952, ClinGen allele CA295194.

ClinVar aggregate classification (germline): Benign. Review status: criteria provided, multiple submitters, no conflicts (2 of 4 stars). 7 submissions from 7 submitters: Benign (7). Last evaluated 2026-02-03.

Conditions:
Early-infantile DEE. Also called: Early infantile epileptic encephalopathy; Ohtahara syndrome; Early infantile epileptic encephalopathy with suppression bursts. Identifiers: Orphanet 1934, MedGen C0393706, MONDO:0800491.
Inborn genetic diseases. Identifiers: MedGen C0950123, MeSH D030342.
Developmental and epileptic encephalopathy, 5 (DEE5). Identifiers: Orphanet 3451, MedGen C3150731, MONDO:0013277, OMIM 613477.

Allele frequency attached by ClinVar (database versions not stated): 1000 Genomes Project 0.02316; gnomAD 0.02352; 1000 Genomes Project 30x 0.02608; TOPMed 0.02659; ESP Exome Variant Server 0.02714.
gnomAD v4.1: 7,100 of 1,614,000 alleles (0.44%); highest among the groups gnomAD compares: African/African-American, 8.3%; 254 homozygotes.

Submissions (7):

Labcorp Genetics (formerly Invitae), Labcorp
Classification: Benign for Early-infantile DEE. Last evaluated: 2026-02-03. Review status: criteria provided, single submitter. Criteria: Invitae Variant Classification Sherloc (09022015). Collection method: clinical testing. Allele origin: germline.

Mayo Clinic Laboratories, Mayo Clinic
Classification: Benign. Last evaluated: 2023-02-04. Review status: criteria provided, single submitter. Criteria: ACMG Guidelines, 2015. Collection method: clinical testing. Allele origin: germline. Observed: 25 variant alleles.

Genome-Nilou Lab
Classification: Benign for Developmental and epileptic encephalopathy, 5. Last evaluated: 2021-07-15. Review status: criteria provided, single submitter. Criteria: ACMG Guidelines, 2015. Collection method: clinical testing. Allele origin: germline. Affected: no.

Ambry Genetics
Classification: Benign for Inborn genetic diseases. Last evaluated: 2016-03-21. Review status: criteria provided, single submitter. Criteria: Ambry Variant Classification Scheme 2023. Collection method: clinical testing. Allele origin: germline.

Genetic Services Laboratory, University of Chicago
Classification: Benign. Last evaluated: 2013-02-22. Review status: criteria provided, single submitter. Criteria: ACMG Guidelines, 2007. Collection method: clinical testing. Allele origin: germline. Inheritance: Autosomal dominant inheritance.

GeneDx
Classification: Benign. Last evaluated: 2013-02-12. Review status: criteria provided, single submitter. Criteria: GeneDx Variant Classification (06012015). Collection method: clinical testing. Allele origin: germline. Affected: yes.
Comment: This variant is considered likely benign or benign based on one or more of the following criteria: it is a conservative change, it occurs at a poorly conserved position in the protein, it is predicted to be benign by multiple in silico algorithms, and/or has population frequency not consistent with disease.

Breakthrough Genomics
Classification: Benign. Review status: criteria provided, single submitter. Criteria: ACMG Guidelines, 2015. Collection method: not provided. Allele origin: germline. Inheritance: Autosomal dominant inheritance. Affected: yes.